The following is an entry in ClinVar:

NM_032217.5(ANKRD17):c.1507C>G (p.Pro503Ala)

Gene: ANKRD17 (ankyrin repeat domain 17; minus strand). Cytogenetic location: 4q13.3.
Variant type: single nucleotide variant.
Coding change: c.1507C>G on transcript NM_032217.5 (MANE Select); coding-DNA position 1507, C replaced by G.
Protein change: p.Pro503Ala; replaces proline 503 with alanine.
Molecular consequence: missense variant.
Genome position (GRCh38, 1-based): chr4:73,148,873, G>C on the plus strand (C>G on the coding strand, the complement: ANKRD17 is on the minus strand). VCF-style: chr4-73148873-G-C. GRCh37 (hg19) VCF-style: chr4-74014590-G-C.
Other names: c.1168C>G, p.Pro390Ala (NM_001286771.3); c.1507C>G, p.Pro503Ala (NM_015574.2, NM_198889.3); short protein forms P390A, P503A.
Identifiers: ClinVar variation 3731242 (VCV003731242.1).
Genomic context (GRCh38, chr4:73,148,873, plus strand): 5'-CTTGACCAAGAAGTAATGCCACCATTTCTTCATGTCCTTCTCGAGCTGCTTCCATCAATG[G>C]TGTATAACCTTCATCATTGACCTCTTCCAGGCTAGCTCCTCTTTCAATAAGTAAAGCCGC-3'
Protein context (NP_115593.3, residues 493-513): LEEVNDEGYT[Pro503Ala]LMEAAREGHE

ClinVar aggregate classification (germline): Uncertain significance (1 of 4 stars; one submission).

Submission:

GeneDx
Classification: Uncertain significance. Last evaluated: 2024-08-14. Review status: criteria provided, single submitter. Criteria: GeneDx Variant Classification Process June 2021. Collection method: clinical testing. Allele origin: germline. Affected: yes.
Comment: Not observed at significant frequency in large population cohorts (gnomAD); In silico analysis supports that this missense variant has a deleterious effect on protein structure/function; Has not been previously published as pathogenic or benign to our knowledge